The following is an entry in ClinVar:

ClinVar aggregate classification (germline): Likely benign (1 of 4 stars; one submission).

gnomAD v4.1: 2 of 1,524,576 alleles (0.00013%); highest among the groups gnomAD compares: Non-Finnish European, 0.00018%; no homozygotes.

Submission:

Mayo Clinic Laboratories, Mayo Clinic
Classification: Likely benign. Last evaluated: 2025-08-10. Review status: criteria provided, single submitter. Criteria: ACMG Guidelines, 2015. Collection method: clinical testing. Allele origin: germline. Observed: 1 variant allele.
Comment: BP4, BP7, PM2_supporting

NM_021023.6(CFHR3):c.228G>A (p.Gly76=)

Gene: CFHR3 (complement factor H related 3; plus strand). Cytogenetic location: 1q31.3.
Variant type: single nucleotide variant.
Coding change: c.228G>A on transcript NM_021023.6 (MANE Select); coding-DNA position 228, G replaced by A.
Protein change: p.Gly76=; no amino-acid change (glycine 76 retained).
Molecular consequence: synonymous variant.
Genome position (GRCh38, 1-based): chr1:196,779,331, G>A. VCF-style: chr1-196779331-G-A. GRCh37 (hg19) VCF-style: chr1-196748461-G-A.
Other names: p.Gly76=; c.228G>A, p.Gly76= (NM_001166624.2).
Identifiers: ClinVar variation 4683935 (VCV004683935.1).